The following is an entry in ClinVar:

ClinVar aggregate classification (germline): Uncertain significance. Review status: criteria provided, multiple submitters, no conflicts (2 of 4 stars). 2 submissions from 2 submitters: Uncertain significance (2). Last evaluated 2025-11-19.

Conditions:
Cardiovascular phenotype. Identifiers: MedGen CN230736.
Capillary malformation-arteriovenous malformation syndrome. Also called: Capillary malformation-arteriovenous malformation. Identifiers: Orphanet 137667, MedGen C1842180, MONDO:0012016.

gnomAD v4.1: 1 of 1,611,710 alleles (0.000062%); highest among the groups gnomAD compares: East Asian, 0.0022%; no homozygotes.

Submissions (2):

Ambry Genetics
Classification: Uncertain significance for Cardiovascular phenotype. Last evaluated: 2025-11-19. Review status: criteria provided, single submitter. Criteria: Ambry Variant Classification Scheme 2023. Collection method: clinical testing. Allele origin: germline.

Labcorp Genetics (formerly Invitae), Labcorp
Classification: Uncertain significance for Capillary malformation-arteriovenous malformation syndrome. Last evaluated: 2025-07-08. Review status: criteria provided, single submitter. Criteria: Invitae Variant Classification Sherloc (09022015). Collection method: clinical testing. Allele origin: germline.
Comment: This sequence change replaces threonine, which is neutral and polar, with serine, which is neutral and polar, at codon 55 of the RASA1 protein (p.Thr55Ser). This variant is not present in population databases (gnomAD no frequency). This variant has not been reported in the literature in individuals affected with RASA1-related conditions. An algorithm developed to predict the effect of missense changes on protein structure and function outputs the following: PolyPhen-2: "Benign". The serine amino acid residue is found in multiple mammalian species, which suggests that this missense change does not adversely affect protein function. In summary, the available evidence is currently insufficient to determine the role of this variant in disease. Therefore, it has been classified as a Variant of Uncertain Significance.

NM_002890.3(RASA1):c.163A>T (p.Thr55Ser)

Gene: RASA1 (RAS p21 protein activator 1; plus strand). Cytogenetic location: 5q14.3.
Variant type: single nucleotide variant.
Coding change: c.163A>T on transcript NM_002890.3 (MANE Select); coding-DNA position 163, A replaced by T.
Protein change: p.Thr55Ser; replaces threonine 55 with serine.
Molecular consequence: missense variant.
Genome position (GRCh38, 1-based): chr5:87,268,614, A>T. VCF-style: chr5-87268614-A-T. GRCh37 (hg19) VCF-style: chr5-86564431-A-T.
Other names: short protein forms T55S.
Identifiers: ClinVar variation 4614820 (VCV004614820.2).
Genomic context (GRCh38, chr5:87,268,614, plus strand): 5'-CGGGTGAAGATACCCGCGGCCCTGCCTGTGGCAGCCGCCCCCTATCCTGGGCTGGTGGAG[A>T]CCGGAGTGGCTGGAACTCTGGGTGGCGGAGCCGCTTTGGGGTCAGAGTTCCTAGGAGCCG-3'
Protein context (NP_002881.1, residues 45-65): AAAPYPGLVE[Thr55Ser]GVAGTLGGGA